The following is an entry in ClinVar:

NM_000051.4(ATM):c.5973A>C (p.Glu1991Asp)

Genes: ATM (ATM serine/threonine kinase; plus strand), C11orf65 (chromosome 11 open reading frame 65; minus strand). Cytogenetic location: 11q22.3.
Variant type: single nucleotide variant.
Coding change: c.5973A>C on transcript NM_000051.4 (MANE Select); coding-DNA position 5973, A replaced by C.
Protein change: p.Glu1991Asp; replaces glutamic acid 1991 with aspartic acid.
Molecular consequence: missense variant. On other transcripts: intron variant (2).
Genome position (GRCh38, 1-based): chr11:108,312,465, A>C. VCF-style: chr11-108312465-A-C. GRCh37 (hg19) VCF-style: chr11-108183192-A-C.
Other names: c.5973A>C, p.Glu1991Asp (NM_001351834.2); c.641-3394T>G (NM_001330368.2); c.*39-3394T>G (NM_001351110.2); short protein forms E1991D.
Identifiers: ClinVar variation 142164 (VCV000142164.32), dbSNP rs587782274, ClinGen allele CA167651.

ClinVar aggregate classification (germline): Conflicting classifications of pathogenicity. Review status: criteria provided, conflicting classifications (1 of 4 stars). 6 submissions from 6 submitters: Uncertain significance (4); Likely benign (1). 1 of the submissions does not count toward it. Last evaluated 2025-09-24.

Conditions:
Hereditary cancer-predisposing syndrome. Also called: Neoplastic Syndromes, Hereditary; Hereditary Cancer Syndrome; Tumor predisposition; Hereditary neoplastic syndrome. Identifiers: Orphanet 140162, MedGen C0027672, MeSH D009386, MONDO:0015356.
Familial cancer of breast. Also called: BREAST CANCER, FAMILIAL; hereditary breast carcinoma; Hereditary breast cancer. Identifiers: Orphanet 227535, MedGen C0346153, MONDO:0016419, OMIM 114480. Disease mechanism: loss of function.
Ataxia-telangiectasia syndrome (AT). Also called: Ataxia-telangiectasia, complementation group D; AT, COMPLEMENTATION GROUP C; Ataxia-telangiectasia; ATAXIA-TELANGIECTASIA, COMPLEMENTATION GROUP A; ATAXIA-TELANGIECTASIA, FRESNO VARIANT; Ataxia-telangiectasia, complementation group E. Identifiers: Orphanet 100, MedGen C0004135, MONDO:0008840, OMIM 208900.

Allele frequency attached by ClinVar (database versions not stated): gnomAD exomes below 0.00001; TOPMed below 0.00001.
gnomAD v4.1: 3 of 1,593,914 alleles (0.00019%); highest among the groups gnomAD compares: Non-Finnish European, 0.00026%; no homozygotes.

Submissions (6):

Labcorp Genetics (formerly Invitae), Labcorp
Classification: Uncertain significance for Ataxia-telangiectasia syndrome. Last evaluated: 2025-09-24. Review status: criteria provided, single submitter. Criteria: Invitae Variant Classification Sherloc (09022015). Collection method: clinical testing. Allele origin: germline.
Comment: This sequence change replaces glutamic acid, which is acidic and polar, with aspartic acid, which is acidic and polar, at codon 1991 of the ATM protein (p.Glu1991Asp). This variant is present in population databases (rs587782274, gnomAD 0.0009%). This variant has not been reported in the literature in individuals affected with ATM-related conditions. ClinVar contains an entry for this variant (Variation ID: 142164). Invitae Evidence Modeling of protein sequence and biophysical properties (such as structural, functional, and spatial information, amino acid conservation, physicochemical variation, residue mobility, and thermodynamic stability) indicates that this missense variant is not expected to disrupt ATM protein function with a negative predictive value of 95%. In summary, the available evidence is currently insufficient to determine the role of this variant in disease. Therefore, it has been classified as a Variant of Uncertain Significance.

Department of Pathology and Laboratory Medicine, Sinai Health System
Classification: Uncertain significance for Familial cancer of breast. Last evaluated: 2024-08-14. Review status: criteria provided, single submitter. Criteria: ACMG Guidelines, 2015. Collection method: clinical testing. Allele origin: germline. Affected: yes.

Ambry Genetics
Classification: Likely benign for Hereditary cancer-predisposing syndrome. Last evaluated: 2023-12-21. Review status: criteria provided, single submitter. Criteria: Ambry Variant Classification Scheme 2023. Collection method: clinical testing. Allele origin: germline.

Color Diagnostics, LLC DBA Color Health
Classification: Uncertain significance for Hereditary cancer-predisposing syndrome. Last evaluated: 2020-10-27. Review status: criteria provided, single submitter. Criteria: ACMG Guidelines, 2015. Collection method: clinical testing. Allele origin: germline.
Comment: This missense variant replaces glutamic acid with aspartic acid at codon 1991 of the ATM protein. Computational prediction suggests that this variant may not impact protein structure and function (internally defined REVEL score threshold <= 0.5, PMID: 27666373). To our knowledge, functional studies have not been reported for this variant. This variant has not been reported in individuals affected with hereditary cancer in the literature. This variant has been identified in 1/246054 chromosomes in the general population by the Genome Aggregation Database (gnomAD). The available evidence is insufficient to determine the role of this variant in disease conclusively. Therefore, this variant is classified as a Variant of Uncertain Significance.

GeneDx
Classification: Uncertain significance. Last evaluated: 2016-03-30. Review status: criteria provided, single submitter. Criteria: GeneDx Variant Classification (06012015). Collection method: clinical testing. Allele origin: germline. Affected: yes.
Comment: This variant is denoted ATM c.5973A>C at the cDNA level, p.Glu1991Asp (E1991D) at the protein level, and results in the change of a Glutamic Acid to an Aspartic Acid (GAA>GAC). This variant has not, to our knowledge, been published in the literature as either a germline pathogenic or benign variant. However, this variant has been reported as a somatic variant in clear cell renal cell carcinoma (Greenman 2007, Dalgliesh 2010). ATM Glu1991Asp was not observed in approximately 6,500 individuals of European and African American ancestry in the NHLBI Exome Sequencing Project, suggesting it is not a common benign variant in these populations. Since Glutamic Acid and Aspartic Acid share similar properties, this is considered a conservative amino acid substitution. ATM Glu1991Asp occurs at a position that is conserved across species and is located in the FAT domain (Stracker 2013). In silico analyses are inconsistent regarding the effect this variant may have on protein structure and function. Based on currently available information, it is unclear whether ATM Glu1991Asp is a pathogenic or benign variant. We consider it to be a variant of uncertain significance.

Natera, Inc.
Classification: Uncertain significance for Ataxia-telangiectasia. Last evaluated: 2021-05-23. Review status: no assertion criteria provided. Collection method: clinical testing. Allele origin: germline. Not counted in ClinVar's aggregate classification.

Literature cited by the submitters: PubMed 17344846 (cited by Department of Pathology and Laboratory Medicine, Sinai Health System); PubMed 20054297 (cited by Department of Pathology and Laboratory Medicine, Sinai Health System); PubMed 22529920 (cited by Ambry Genetics).